The following is an entry in ClinVar:

NM_153717.3(EVC):c.650_651del (p.His217fs)

Gene: EVC (EvC ciliary complex subunit 1; plus strand). Cytogenetic location: 4p16.2.
Variant type: Deletion.
Coding change: c.650_651del on transcript NM_153717.3 (MANE Select); coding-DNA positions 650 to 651, 2 bases deleted (AC; older notation c.650_651delAC).
Protein change: p.His217fs; shifts the reading frame from histidine 217.
Molecular consequence: frameshift variant.
Genome position (GRCh38, 1-based): chr4:5,733,383-5,733,384, AC deleted; deleting any 2 consecutive bases within chr4:5,733,382-5,733,384 gives the same sequence; the c. name uses the placement nearest the transcript's 3' end. VCF-style (leftmost placement, unchanged base first): chr4-5733381-TCA-T. GRCh37 (hg19) VCF-style: chr4-5735108-TCA-T.
Other names: c.650_651del, p.His217fs (NM_001306090.2, NM_001306092.2); short protein forms H217fs.
Identifiers: ClinVar variation 1726774 (VCV001726774.2), dbSNP rs2474716928, ClinGen allele CA2580070784.

ClinVar aggregate classification (germline): Likely pathogenic (1 of 4 stars; one submission).

Conditions:
Ellis-van Creveld syndrome (EVC). Also called: EVC-Related Ellis-van Creveld Syndrome; EVC2-Related Ellis-van Creveld Syndrome; MESOECTODERMAL DYSPLASIA; Chondroectodermal dysplasia. Identifiers: Orphanet 289, MedGen C0013903, MONDO:0009162, OMIM 225500.

Submission:

Myriad Genetics, Inc.
Classification: Likely pathogenic for Ellis-van Creveld syndrome. Last evaluated: 2022-01-02. Review status: criteria provided, single submitter. Criteria: Myriad Women's Health Autosomal Recessive and X-Linked Classification Criteria (2021). Collection method: clinical testing. Allele origin: unknown.
Comment: NM_153717.2(EVC):c.650_651delAC(H217Lfs*24) is expected to be pathogenic in the context of EVC-related Ellis-van Creveld syndrome. This variant is predicted to lead to an abnormal or absent protein product due to the creation of a premature termination codon in EVC, a gene where loss-of-function variants are known to be pathogenic. Please note: this variant was assessed in the context of healthy population screening.